The following is an entry in ClinVar:

ClinVar aggregate classification (germline): Likely pathogenic (1 of 4 stars; one submission).

Submission:

GeneDx
Classification: Likely pathogenic. Last evaluated: 2026-08-05. Review status: criteria provided, single submitter. Criteria: GeneDx Variant Classification Process June 2021. Collection method: clinical testing. Allele origin: germline.
Comment: Reported as a de novo variant identified through research genetic analysis in at least one patient with a clinical diagnosis of CdLS or possible CdLS; detailed clinical information was not provided (PMID: 25125236); Missense variants in this gene are a common cause of disease and they are underrepresented in the general population; In silico analysis supports that this missense variant has a deleterious effect on protein structure/function; Not observed at significant frequency in large population cohorts (gnomAD); This variant is associated with the following publications: (PMID: 31425923, 32193685, 25125236)

NM_006306.4(SMC1A):c.1757G>A (p.Arg586Gln)

Gene: SMC1A (structural maintenance of chromosomes 1A; minus strand). Cytogenetic location: Xp11.22.
Variant type: single nucleotide variant.
Coding change: c.1757G>A on transcript NM_006306.4 (MANE Select); coding-DNA position 1757, G replaced by A.
Protein change: p.Arg586Gln; replaces arginine 586 with glutamine.
Molecular consequence: missense variant.
Genome position (GRCh38, 1-based): chrX:53,405,647, C>T on the plus strand (G>A on the coding strand, the complement: SMC1A is on the minus strand). VCF-style: chrX-53405647-C-T. GRCh37 (hg19) VCF-style: chrX-53432579-C-T.
Other names: c.1691G>A, p.Arg564Gln (NM_001281463.1); short protein forms R564Q, R586Q.
Identifiers: ClinVar variation 3338841 (VCV003338841.3).
Genomic context (GRCh38, chrX:53,405,647, plus strand): 5'-TTGATATGAGGTGGCTCATAGCGAATCACATCAATCACTAGCTTGGCCCCCTTCAGCTCC[C>T]GGAGTTTCTCATCTGTAGGCTTCACCTGTGGGGAGAAGCTCAGTCAGTGGCAGAACACAA-3'
Protein context (NP_006297.2, residues 576-596): LEVKPTDEKL[Arg586Gln]ELKGAKLVID